The following is an entry in ClinVar:

ClinVar aggregate classification (germline): Benign/Likely benign. Review status: criteria provided, multiple submitters, no conflicts (2 of 4 stars). 4 submissions from 4 submitters: Benign (2); Likely benign (1). 1 of the submissions does not count toward it. Last evaluated 2026-09-01.

Conditions:
VPS13D-related disorder. Also called: VPS13D-related condition.

Allele frequency attached by ClinVar (database versions not stated): 1000 Genomes Project 30x 0.00109; TOPMed 0.00126; 1000 Genomes Project 0.00140; ESP Exome Variant Server 0.00192; gnomAD exomes 0.00326 and 0.00487; ExAC 0.00423; gnomAD 0.00475 and 0.00505.
gnomAD v4.1: 5,422 of 1,613,906 alleles (0.34%); highest among the groups gnomAD compares: Non-Finnish European, 0.24%; 58 homozygotes.

Submissions (4):

CeGaT Center for Human Genetics Tuebingen
Classification: Likely benign. Last evaluated: 2026-09-01. Review status: criteria provided, single submitter. Criteria: CeGaT Center For Human Genetics Tuebingen Variant Classification Criteria Version 2. Collection method: clinical testing. Allele origin: germline. Affected: yes. Observed: 9 variant alleles.
Comment: VPS13D: BS2

Labcorp Genetics (formerly Invitae), Labcorp
Classification: Benign. Last evaluated: 2026-02-02. Review status: criteria provided, single submitter. Criteria: Invitae Variant Classification Sherloc (09022015). Collection method: clinical testing. Allele origin: germline.

Mayo Clinic Laboratories, Mayo Clinic
Classification: Benign. Last evaluated: 2023-02-01. Review status: criteria provided, single submitter. Criteria: ACMG Guidelines, 2015. Collection method: clinical testing. Allele origin: germline. Observed: 13 variant alleles.
Comment: BS1, BS2

PreventionGenetics, part of Exact Sciences
Classification: Benign for VPS13D-related condition. Last evaluated: 2019-09-19. Review status: no assertion criteria provided. Collection method: clinical testing. Allele origin: germline. Not counted in ClinVar's aggregate classification.
Comment: This variant is classified as benign based on ACMG/AMP sequence variant interpretation guidelines (Richards et al. 2015 PMID: 25741868, with internal and published modifications).

NM_015378.4(VPS13D):c.8647C>T (p.Arg2883Cys)

Gene: VPS13D (vacuolar protein sorting 13 homolog D; plus strand). Cytogenetic location: 1p36.22.
Variant type: single nucleotide variant.
Coding change: c.8647C>T on transcript NM_015378.4 (MANE Select); coding-DNA position 8647, C replaced by T.
Protein change: p.Arg2883Cys; replaces arginine 2883 with cysteine.
Molecular consequence: missense variant.
Genome position (GRCh38, 1-based): chr1:12,341,800, C>T. VCF-style: chr1-12341800-C-T. GRCh37 (hg19) VCF-style: chr1-12401857-C-T.
Other names: p.Arg2883Cys; c.8572C>T, p.Arg2858Cys (NM_018156.4); c.8647C>T (NM_015378.3); short protein forms R2858C, R2883C.
Identifiers: ClinVar variation 1530823 (VCV001530823.33), dbSNP rs143194636, ClinGen allele CA603203.